The following is an entry in ClinVar:

ClinVar aggregate classification (germline): Conflicting classifications of pathogenicity. Review status: criteria provided, conflicting classifications (1 of 4 stars). 2 submissions from 2 submitters: Uncertain significance (1); Likely benign (1). Last evaluated 2025-05-28.

Allele frequency attached by ClinVar (database versions not stated): gnomAD 0.00001 and 0.00003; ExAC 0.00002; 1000 Genomes Project 30x 0.00031; gnomAD exomes 0.00003 and 0.00002; TOPMed below 0.00001; 1000 Genomes Project 0.00040.
gnomAD v4.1: 47 of 1,613,888 alleles (0.0029%); highest among the groups gnomAD compares: South Asian, 0.0044%; no homozygotes.

Submissions (2):

ARUP Laboratories, Molecular Genetics and Genomics, ARUP Laboratories
Classification: Uncertain significance. Last evaluated: 2025-05-28. Review status: criteria provided, single submitter. Criteria: ARUP Molecular Germline Variant Investigation Process 2024. Collection method: clinical testing. Allele origin: germline.

GeneDx
Classification: Likely benign. Last evaluated: 2018-04-25. Review status: criteria provided, single submitter. Criteria: GeneDx Variant Classification (06012015). Collection method: clinical testing. Allele origin: germline. Affected: yes.
Comment: This variant is considered likely benign or benign based on one or more of the following criteria: it is a conservative change, it occurs at a poorly conserved position in the protein, it is predicted to be benign by multiple in silico algorithms, and/or has population frequency not consistent with disease.

NM_001267550.2(TTN):c.93919G>A (p.Gly31307Arg)

Genes: TTN (titin; minus strand), TTN-AS1 (TTN antisense RNA 1; plus strand). Cytogenetic location: 2q31.2.
Variant type: single nucleotide variant.
Coding change: c.93919G>A on transcript NM_001267550.2 (MANE Select); coding-DNA position 93919, G replaced by A.
Protein change: p.Gly31307Arg; replaces glycine 31307 with arginine.
Molecular consequence: missense variant.
Genome position (GRCh38, 1-based): chr2:178,547,707, C>T on the plus strand (G>A on the coding strand, the complement: TTN is on the minus strand). VCF-style: chr2-178547707-C-T. GRCh37 (hg19) VCF-style: chr2-179412434-C-T.
Other names: c.88996G>A, p.Gly29666Arg (NM_001256850.1); c.66724G>A, p.Gly22242Arg (NM_003319.4); c.86215G>A, p.Gly28739Arg (NM_133378.4); c.67099G>A, p.Gly22367Arg (NM_133432.3); c.67300G>A, p.Gly22434Arg (NM_133437.4); short protein forms G22434R, G28739R, G31307R, G22242R, G29666R, G22367R.
Identifiers: ClinVar variation 679795 (VCV000679795.2), dbSNP rs535927586, ClinGen allele CA1987227.
Genomic context (GRCh38, chr2:178,547,707, plus strand): 5'-CACACGATTCAGCTGAGACAGATGAGACCTCAATGGGGCCGGTTACTGGACCTGGCCTTC[C>T]AATGACCACAACTGTGACGCTAAATGTTTTAACACCAGCTGTATTTTCCAGGGTCAAGAA-3'
Protein context (NP_001254479.2, residues 31297-31317): KTFSVTVVVI[Gly31307Arg]RPGPVTGPIE